The following is an entry in ClinVar:

NM_015512.5(DNAH1):c.7973A>G (p.Asn2658Ser)

Gene: DNAH1 (dynein axonemal heavy chain 1; plus strand). Cytogenetic location: 3p21.1.
Variant type: single nucleotide variant.
Coding change: c.7973A>G on transcript NM_015512.5 (MANE Select); coding-DNA position 7973, A replaced by G.
Protein change: p.Asn2658Ser; replaces asparagine 2658 with serine.
Molecular consequence: missense variant.
Genome position (GRCh38, 1-based): chr3:52,383,417, A>G. VCF-style: chr3-52383417-A-G. GRCh37 (hg19) VCF-style: chr3-52417433-A-G.
Other names: short protein forms N2658S.
Identifiers: ClinVar variation 2932692 (VCV002932692.3), dbSNP rs2153225227, ClinGen allele CA353183742.
Genomic context (GRCh38, chr3:52,383,417, plus strand): 5'-TAGCTCCCCACTCCTTCACCCCTCCCCAGATCAAGAACGAATCCTTCCTGGAAGATATCA[A>G]CAACGTCCTAAACTCTGGTGACATTCCCAATCTGTATACTGCGGACGAGCAGGACCAGAT-3'
Protein context (NP_056327.4, residues 2648-2668): IKNESFLEDI[Asn2658Ser]NVLNSGDIPN

ClinVar aggregate classification (germline): Uncertain significance (1 of 4 stars; one submission).

Conditions:
Spermatogenic failure 18. Identifiers: MedGen C4539783, MONDO:0054615, OMIM 617576.
Ciliary dyskinesia, primary, 37 (CILD37). Also called: CILIARY DYSKINESIA, PRIMARY, 37, WITH OR WITHOUT SITUS INVERSUS. Identifiers: MedGen C4539798, MONDO:0033204, OMIM 617577.

Allele frequency attached by ClinVar (database versions not stated): gnomAD exomes below 0.00001.
gnomAD v4.1: 2 of 1,613,954 alleles (0.00012%); highest among the groups gnomAD compares: Non-Finnish European, 0.00017%; no homozygotes.

Submission:

Labcorp Genetics (formerly Invitae), Labcorp
Classification: Uncertain significance for Ciliary dyskinesia, primary, 37; Spermatogenic failure 18. Last evaluated: 2024-01-19. Review status: criteria provided, single submitter. Criteria: Invitae Variant Classification Sherloc (09022015). Collection method: clinical testing. Allele origin: germline.
Comment: This sequence change replaces asparagine, which is neutral and polar, with serine, which is neutral and polar, at codon 2658 of the DNAH1 protein (p.Asn2658Ser). This variant is not present in population databases (gnomAD no frequency). This variant has not been reported in the literature in individuals affected with DNAH1-related conditions. Advanced modeling of protein sequence and biophysical properties (such as structural, functional, and spatial information, amino acid conservation, physicochemical variation, residue mobility, and thermodynamic stability) performed at Invitae indicates that this missense variant is not expected to disrupt DNAH1 protein function with a negative predictive value of 80%. In summary, the available evidence is currently insufficient to determine the role of this variant in disease. Therefore, it has been classified as a Variant of Uncertain Significance.